The following is an entry in ClinVar:

NM_015627.3(LDLRAP1):c.423C>T (p.Leu141=)

Gene: LDLRAP1 (low density lipoprotein receptor adaptor protein 1; plus strand). Cytogenetic location: 1p36.11.
Variant type: single nucleotide variant.
Coding change: c.423C>T on transcript NM_015627.3 (MANE Select); coding-DNA position 423, C replaced by T.
Protein change: p.Leu141=; no amino-acid change (leucine 141 retained).
Molecular consequence: synonymous variant.
Genome position (GRCh38, 1-based): chr1:25,557,231, C>T. VCF-style: chr1-25557231-C-T. GRCh37 (hg19) VCF-style: chr1-25883722-C-T.
Identifiers: ClinVar variation 296978 (VCV000296978.33), dbSNP rs140170877, ClinGen allele CA695542.

ClinVar aggregate classification (germline): Conflicting classifications of pathogenicity. Review status: criteria provided, conflicting classifications (1 of 4 stars). 6 submissions from 6 submitters: Uncertain significance (1); Likely benign (5). Last evaluated 2026-02-03.

Conditions:
Hypercholesterolemia, familial, 4 (FHCL4). Also called: HYPERCHOLESTEROLEMIA, AUTOSOMAL RECESSIVE, 1; HYPERCHOLESTEROLEMIA, AUTOSOMAL RECESSIVE, 2. Identifiers: Orphanet 391665, MedGen C1863512, MONDO:0011374, OMIM 603813.
Cardiovascular phenotype. Identifiers: MedGen CN230736.

Allele frequency attached by ClinVar (database versions not stated): TOPMed 0.00008; gnomAD 0.00010 and 0.00011; gnomAD exomes 0.00014; 1000 Genomes Project 30x 0.00016; 1000 Genomes Project 0.00020; ExAC 0.00020; ESP Exome Variant Server 0.00023.
gnomAD v4.1: 291 of 1,614,022 alleles (0.018%); highest among the groups gnomAD compares: Non-Finnish European, 0.022%; no homozygotes.

Submissions (6):

Labcorp Genetics (formerly Invitae), Labcorp
Classification: Likely benign for Hypercholesterolemia, familial, 4. Last evaluated: 2026-02-03. Review status: criteria provided, single submitter. Criteria: Invitae Variant Classification Sherloc (09022015). Collection method: clinical testing. Allele origin: germline.

ARUP Laboratories, Molecular Genetics and Genomics, ARUP Laboratories
Classification: Likely benign for Hypercholesterolemia, familial, 4. Last evaluated: 2024-11-01. Review status: criteria provided, single submitter. Criteria: ARUP Molecular Germline Variant Investigation Process 2024. Collection method: clinical testing. Allele origin: germline.

Women's Health and Genetics/Laboratory Corporation of America, LabCorp
Classification: Likely benign. Last evaluated: 2024-05-06. Review status: criteria provided, single submitter. Criteria: LabCorp Variant Classification Summary - May 2015. Collection method: clinical testing. Allele origin: germline.

GENinCode PLC
Classification: Likely benign for Hypercholesterolemia, familial, 4. Last evaluated: 2023-05-15. Review status: criteria provided, single submitter. Criteria: ACMG Guidelines, 2015. Collection method: clinical testing. Allele origin: germline.
Comment: This is a synonymous (silent) variant that is not predicted by SpliceAI to impact splicing. In addition, it occurs at a nucleotide that is not conserved. Therefore this variant has been classified as Likely Benign (BP4, BP7).

Ambry Genetics
Classification: Likely benign for Cardiovascular phenotype. Last evaluated: 2019-05-17. Review status: criteria provided, single submitter. Criteria: Ambry Variant Classification Scheme 2023. Collection method: clinical testing. Allele origin: germline.

Illumina Laboratory Services, Illumina
Classification: Uncertain significance for Hypercholesterolemia, familial, 4. Last evaluated: 2018-01-13. Review status: criteria provided, single submitter. Criteria: ICSL Variant Classification Criteria 13 December 2019. Collection method: clinical testing. Allele origin: germline.